The following is an entry in ClinVar:

ClinVar aggregate classification (germline): Conflicting classifications of pathogenicity. Review status: criteria provided, conflicting classifications (1 of 4 stars). 8 submissions from 8 submitters: Uncertain significance (7); Likely benign (1). Last evaluated 2026-04-15.

Conditions:
Inborn genetic diseases. Identifiers: MedGen C0950123, MeSH D030342.
Charcot-Marie-Tooth disease axonal type 2S. Also called: CHARCOT-MARIE-TOOTH NEUROPATHY, TYPE 2S; CHARCOT-MARIE-TOOTH DISEASE, AXONAL, AUTOSOMAL RECESSIVE, TYPE 2S. Identifiers: Orphanet 443073, MedGen C4015349, MONDO:0014511, OMIM 616155.
Autosomal recessive distal spinal muscular atrophy 1. Also called: SEVERE INFANTILE AXONAL NEUROPATHY WITH RESPIRATORY FAILURE; SPINAL MUSCULAR ATROPHY, DIAPHRAGMATIC; Spinal muscular atrophy with respiratory distress 1; NEURONOPATHY, DISTAL HEREDITARY MOTOR, HARDING TYPE VI; NEUROPATHY, DISTAL HEREDITARY MOTOR, AUTOSOMAL RECESSIVE 1; HMN VI. Identifiers: Orphanet 98920, MedGen C1858517, MONDO:0011436, OMIM 604320.
Charcot-Marie-Tooth disease. Also called: Charcot-Marie-Tooth Hereditary Neuropathy; Charcot-Marie-Tooth Neuropathy. Identifiers: Orphanet 166, MedGen C0007959, MONDO:0015626.

Allele frequency attached by ClinVar (database versions not stated): 1000 Genomes Project 30x 0.00016; 1000 Genomes Project 0.00020; gnomAD 0.00022 and 0.00023; gnomAD exomes 0.00025 and 0.00048; ExAC 0.00028; ESP Exome Variant Server 0.00038; TOPMed 0.00048.

Submissions (8):

Women's Health and Genetics/Laboratory Corporation of America, LabCorp
Classification: Uncertain significance. Last evaluated: 2026-04-15. Review status: criteria provided, single submitter. Criteria: LabCorp Variant Classification Summary - May 2015. Collection method: clinical testing. Allele origin: germline.
Comment: Variant summary: IGHMBP2 c.2618C>T (p.Pro873Leu) results in a non-conservative amino acid change in the encoded protein sequence. Algorithms developed to predict the effect of missense changes on protein structure and function are either unavailable or do not agree on the potential impact of this missense change. The variant allele was found at a frequency of 0.00025 in 251444 control chromosomes. This frequency is not significantly higher than estimated for disease-causing variants in IGHMBP2, allowing no conclusion about variant significance. To our knowledge, no occurrence of c.2618C>T in individuals affected with IGHMBP2-related conditions and no experimental evidence demonstrating its impact on protein function have been reported. ClinVar contains an entry for this variant (Variation ID: 194369). Based on the evidence outlined above, the variant was classified as uncertain significance.

Labcorp Genetics (formerly Invitae), Labcorp
Classification: Likely benign for Autosomal recessive distal spinal muscular atrophy 1; Charcot-Marie-Tooth disease axonal type 2S. Last evaluated: 2026-01-24. Review status: criteria provided, single submitter. Criteria: Invitae Variant Classification Sherloc (09022015). Collection method: clinical testing. Allele origin: germline.

Ambry Genetics
Classification: Uncertain significance for Inborn genetic diseases. Last evaluated: 2025-07-16. Review status: criteria provided, single submitter. Criteria: Ambry Variant Classification Scheme 2023. Collection method: clinical testing. Allele origin: germline.

Revvity Omics, Revvity
Classification: Uncertain significance. Last evaluated: 2025-06-25. Review status: criteria provided, single submitter. Criteria: ACMG Guidelines, 2015. Collection method: clinical testing. Allele origin: germline.

GeneDx
Classification: Uncertain significance. Last evaluated: 2024-10-23. Review status: criteria provided, single submitter. Criteria: GeneDx Variant Classification Process June 2021. Collection method: clinical testing. Allele origin: germline. Affected: yes.
Comment: In silico analysis indicates that this missense variant does not alter protein structure/function; Has not been previously published as pathogenic or benign to our knowledge

ARUP Laboratories, Molecular Genetics and Genomics, ARUP Laboratories
Classification: Uncertain significance. Last evaluated: 2023-11-06. Review status: criteria provided, single submitter. Criteria: ARUP Molecular Germline Variant Investigation Process 2024. Collection method: clinical testing. Allele origin: germline.
Comment: The IGHMBP2 c.2618C>T; p.Pro873Leu variant (rs141903179), to our knowledge, is not reported in the medical literature but is reported in ClinVar (Variation ID: 194369). This variant is found in the general population with an overall allele frequency of 0.02% (70/282,842 alleles) in the Genome Aggregation Database. Computational analyses are uncertain whether this variant is neutral or deleterious (REVEL: 0.213). Due to limited information, the clinical significance of this variant is uncertain at this time.

Eurofins Ntd Llc (ga)
Classification: Uncertain significance. Last evaluated: 2015-04-16. Review status: criteria provided, single submitter. Criteria: EGL Classification Definitions 2015. Collection method: clinical testing. Allele origin: germline. Observed: 1 variant allele, 1 heterozygote.

Molecular Genetics Laboratory, London Health Sciences Centre
Classification: Uncertain significance for Charcot-Marie-Tooth disease. Review status: criteria provided, single submitter. Criteria: ACMG Guidelines, 2015. Collection method: clinical testing. Allele origin: germline. Affected: yes.

NM_002180.3(IGHMBP2):c.2618C>T (p.Pro873Leu)

Gene: IGHMBP2 (immunoglobulin mu DNA binding protein 2; plus strand). Cytogenetic location: 11q13.3.
Variant type: single nucleotide variant.
Coding change: c.2618C>T on transcript NM_002180.3 (MANE Select); coding-DNA position 2618, C replaced by T.
Protein change: p.Pro873Leu; replaces proline 873 with leucine.
Molecular consequence: missense variant.
Genome position (GRCh38, 1-based): chr11:68,938,188, C>T. VCF-style: chr11-68938188-C-T. GRCh37 (hg19) VCF-style: chr11-68705656-C-T.
Other names: short protein forms P873L.
Identifiers: ClinVar variation 194369 (VCV000194369.28), dbSNP rs141903179, ClinGen allele CA240298.